The following is an entry in ClinVar:

ClinVar aggregate classification (germline): Uncertain significance (1 of 4 stars; one submission).

Conditions:
Epidermolysis bullosa simplex 3, localized or generalized intermediate, with BP230 deficiency (EBS3). Also called: Epidermolysis bullosa simplex, autosomal recessive 2; Epidermolysis bullosa simplex due to BP230 deficiency. Identifiers: Orphanet 412181, MedGen C3809470, MONDO:0014180, OMIM 615425.
Hereditary sensory and autonomic neuropathy type 6. Also called: HSAN VI; Neuropathy, hereditary sensory and autonomic, type VI. Identifiers: Orphanet 314381, MedGen C3539003, MONDO:0013839, OMIM 614653.

Allele frequency attached by ClinVar (database versions not stated): gnomAD 0.00001.
gnomAD v4.1: 1 of 1,613,814 alleles (0.000062%); highest among the groups gnomAD compares: Non-Finnish European, 0.000085%; no homozygotes.

Submission:

Labcorp Genetics (formerly Invitae), Labcorp
Classification: Uncertain significance for Epidermolysis bullosa simplex 3, localized or generalized intermediate, with BP230 deficiency; Hereditary sensory and autonomic neuropathy type 6. Last evaluated: 2023-08-17. Review status: criteria provided, single submitter. Criteria: Invitae Variant Classification Sherloc (09022015). Collection method: clinical testing. Allele origin: germline.
Comment: This variant is present in population databases (no rsID available, gnomAD 0.007%). In summary, the available evidence is currently insufficient to determine the role of this variant in disease. Therefore, it has been classified as a Variant of Uncertain Significance. An algorithm developed to predict the effect of missense changes on protein structure and function (PolyPhen-2) suggests that this variant is likely to be disruptive. ClinVar contains an entry for this variant (Variation ID: 1177494). This variant has not been reported in the literature in individuals affected with DST-related conditions. This sequence change replaces valine, which is neutral and non-polar, with glutamic acid, which is acidic and polar, at codon 1487 of the DST protein (p.Val1487Glu).

NM_001723.7(DST):c.4460T>A (p.Val1487Glu)

Gene: DST (dystonin; minus strand). Cytogenetic location: 6p12.1.
Variant type: single nucleotide variant.
Coding change: c.4460T>A on transcript NM_001723.7 (MANE Plus Clinical); coding-DNA position 4460, T replaced by A.
Protein change: p.Val1487Glu; replaces valine 1487 with glutamic acid.
Molecular consequence: missense variant. On other transcripts: intron variant (10).
Genome position (GRCh38, 1-based): chr6:56,619,574, A>T on the plus strand (T>A on the coding strand, the complement: DST is on the minus strand). VCF-style: chr6-56619574-A-T. GRCh37 (hg19) VCF-style: chr6-56484372-A-T.
Other names: c.4830+4956T>A (NM_001144769.5); c.4929+4956T>A (NM_001374722.1, NM_001374736.1); c.4956+4956T>A (NM_001374734.1); c.4416+4956T>A (NM_001144770.2); c.4296+4956T>A (NM_001374730.1, NM_001386100.1, NM_183380.4 and 1 more transcripts); c.3318+4956T>A (NM_015548.5); short protein forms V1487E.
Identifiers: ClinVar variation 1177494 (VCV001177494.8), dbSNP rs1236815487, ClinGen allele CA364569630.